The following is an entry in ClinVar:

NM_001371928.1(AHDC1):c.3551G>A (p.Arg1184His)

Gene: AHDC1 (AT-hook DNA binding motif containing 1; minus strand). Cytogenetic location: 1p36.11.
Variant type: single nucleotide variant.
Coding change: c.3551G>A on transcript NM_001371928.1 (MANE Select); coding-DNA position 3551, G replaced by A.
Protein change: p.Arg1184His; replaces arginine 1184 with histidine.
Molecular consequence: missense variant.
Genome position (GRCh38, 1-based): chr1:27,548,565, C>T on the plus strand (G>A on the coding strand, the complement: AHDC1 is on the minus strand). VCF-style: chr1-27548565-C-T. GRCh37 (hg19) VCF-style: chr1-27875076-C-T.
Other names: c.3551G>A, p.Arg1184His (NM_001029882.3); c.-493G>A (NM_015699.1); c.3551G>A (NM_001029882.2); short protein forms R1184H.
Identifiers: ClinVar variation 2191622 (VCV002191622.5), dbSNP rs547656373, ClinGen allele CA715539.
Genomic context (GRCh38, chr1:27,548,565, plus strand): 5'-AGTTTCTCCAGGCTGGACAGGCTCGACTGGCCCTCACTACTTGAGGCCTCGCTGTTGGCA[C>T]GCCGAAACCCCCCGCCACCAACCGGCTGATTGAACTGGGTGCTGTCGGAGGATGACTCAG-3'
Protein context (NP_001358857.1, residues 1174-1194): NQPVGGGGFR[Arg1184His]ANSEASSSEG

ClinVar aggregate classification (germline): Conflicting classifications of pathogenicity. Review status: criteria provided, conflicting classifications (1 of 4 stars). 2 submissions from 2 submitters: Uncertain significance (1); Likely benign (1). Last evaluated 2025-11-24.

Conditions:
Inborn genetic diseases. Identifiers: MedGen C0950123, MeSH D030342.

Allele frequency attached by ClinVar (database versions not stated): 1000 Genomes Project 0.00020; 1000 Genomes Project 30x 0.00031.
gnomAD v4.1: 31 of 1,613,582 alleles (0.0019%); highest among the groups gnomAD compares: South Asian, 0.014%; no homozygotes.

Submissions (2):

Labcorp Genetics (formerly Invitae), Labcorp
Classification: Uncertain significance. Last evaluated: 2025-11-24. Review status: criteria provided, single submitter. Criteria: Invitae Variant Classification Sherloc (09022015). Collection method: clinical testing. Allele origin: germline.
Comment: This sequence change replaces arginine, which is basic and polar, with histidine, which is basic and polar, at codon 1184 of the AHDC1 protein (p.Arg1184His). This variant is present in population databases (rs547656373, gnomAD 0.01%). This variant has not been reported in the literature in individuals affected with AHDC1-related conditions. ClinVar contains an entry for this variant (Variation ID: 2191622). An algorithm developed to predict the effect of missense changes on protein structure and function (PolyPhen-2) suggests that this variant is likely to be disruptive. In summary, the available evidence is currently insufficient to determine the role of this variant in disease. Therefore, it has been classified as a Variant of Uncertain Significance.

Ambry Genetics
Classification: Likely benign for Inborn genetic diseases. Last evaluated: 2022-11-21. Review status: criteria provided, single submitter. Criteria: Ambry Variant Classification Scheme 2023. Collection method: clinical testing. Allele origin: germline.